The following is an entry in ClinVar:

ClinVar aggregate classification (germline): Likely pathogenic (1 of 4 stars; one submission).

Conditions:
Charcot-Marie-Tooth disease type 2. Also called: Charcot-Marie-Tooth type 2. Identifiers: Orphanet 64746, MedGen C0270914, MONDO:0018993.

Submission:

Labcorp Genetics (formerly Invitae), Labcorp
Classification: Likely pathogenic for Charcot-Marie-Tooth disease type 2. Last evaluated: 2021-08-12. Review status: criteria provided, single submitter. Criteria: Invitae Variant Classification Sherloc (09022015). Collection method: clinical testing. Allele origin: germline.
Comment: This variant is a gross deletion of the genomic region encompassing exon(s) 3 of the LMNA gene. This variant would be expected to be in-frame, preserving the integrity of the reading frame. This variant has not been reported in the literature in individuals affected with LMNA-related conditions. This variant disrupts the p.Arg190, p.Glu203 amino acid residue in LMNA. Other variant(s) that disrupt this residue have been determined to be pathogenic (PMID: 11561226, 11897440, 15219508, 16061563, 16537768, 18795223, 20160190, 22199124, 22464770, 26199943, 26899768). This suggests that this residue is clinically significant, and that variants that disrupt this residue are likely to be disease-causing. In summary, the currently available evidence indicates that the variant is pathogenic, but additional data are needed to prove that conclusively. Therefore, this variant has been classified as Likely Pathogenic.

Literature cited by the submitters: PubMed 11561226; PubMed 11897440; PubMed 15219508; PubMed 16061563; PubMed 16537768; PubMed 18795223; PubMed 20160190; PubMed 22199124; PubMed 22464770; PubMed 26199943; PubMed 26899768.

NC_000001.11:g.(?_156134393)_(156134538_?)del

Gene: LMNA (lamin A/C; plus strand). Cytogenetic location: 1q22.
Variant type: Deletion.
Identifiers: ClinVar variation 651827 (VCV000651827.6).